The following is an entry in ClinVar:

ClinVar aggregate classification (germline): Uncertain significance (1 of 4 stars; one submission).

Submission:

GeneDx
Classification: Uncertain significance. Last evaluated: 2023-02-09. Review status: criteria provided, single submitter. Criteria: GeneDx Variant Classification Process June 2021. Collection method: clinical testing. Allele origin: germline. Affected: yes.
Comment: Not observed at significant frequency in large population cohorts (gnomAD); In silico analysis supports that this missense variant does not alter protein structure/function; Has not been previously published as pathogenic or benign to our knowledge

NM_014112.5(TRPS1):c.1721T>C (p.Ile574Thr)

Gene: TRPS1 (transcriptional repressor GATA binding 1; minus strand). Cytogenetic location: 8q23.3.
Variant type: single nucleotide variant.
Coding change: c.1721T>C on transcript NM_014112.5 (MANE Select); coding-DNA position 1721, T replaced by C.
Protein change: p.Ile574Thr; replaces isoleucine 574 with threonine.
Molecular consequence: missense variant.
Genome position (GRCh38, 1-based): chr8:115,604,248, A>G on the plus strand (T>C on the coding strand, the complement: TRPS1 is on the minus strand). VCF-style: chr8-115604248-A-G. GRCh37 (hg19) VCF-style: chr8-116616475-A-G.
Other names: c.1694T>C, p.Ile565Thr (NM_001282902.3); c.1700T>C, p.Ile567Thr (NM_001282903.3); c.1682T>C, p.Ile561Thr (NM_001330599.2); short protein forms I561T, I565T, I567T, I574T.
Identifiers: ClinVar variation 2578094 (VCV002578094.1), dbSNP rs2536889379, ClinGen allele CA372066768.